The following is an entry in ClinVar:

ClinVar aggregate classification (germline): Pathogenic (1 of 4 stars; one submission).

Conditions:
Hereditary breast ovarian cancer syndrome. Also called: Hereditary breast and ovarian cancer syndrome (HBOC); Hereditary breast and/or ovarian cancer syndrome; Hereditary breast and ovarian cancer; BRCA1- and BRCA2-Associated Hereditary Breast and Ovarian Cancer; Breast and ovarian cancer; Hereditary breast and ovarian cancer syndrome. Identifiers: Orphanet 145, MedGen C0677776, MeSH D061325, MONDO:0003582. Disease mechanism: loss of function.

Submission:

Labcorp Genetics (formerly Invitae), Labcorp
Classification: Pathogenic for Hereditary breast ovarian cancer syndrome. Last evaluated: 2022-03-29. Review status: criteria provided, single submitter. Criteria: Invitae Variant Classification Sherloc (09022015). Collection method: clinical testing. Allele origin: germline.
Comment: This variant is not present in population databases (gnomAD no frequency). This sequence change creates a premature translational stop signal (p.Glu612Thrfs*3) in the BRCA2 gene. It is expected to result in an absent or disrupted protein product. Loss-of-function variants in BRCA2 are known to be pathogenic (PMID: 20104584). This variant has not been reported in the literature in individuals affected with BRCA2-related conditions. For these reasons, this variant has been classified as Pathogenic.

Literature cited by the submitters: PubMed 20104584.

NM_000059.4(BRCA2):c.1834_1835del (p.Glu612fs)

Gene: BRCA2 (BRCA2 DNA repair associated; plus strand). Cytogenetic location: 13q13.1.
Variant type: Deletion.
Coding change: c.1834_1835del on transcript NM_000059.4 (MANE Select); coding-DNA positions 1834 to 1835, 2 bases deleted (GA; older notation c.1834_1835delGA).
Protein change: p.Glu612fs; shifts the reading frame from glutamic acid 612.
Molecular consequence: frameshift variant.
Genome position (GRCh38, 1-based): chr13:32,333,312-32,333,313, GA deleted; deleting any 2 consecutive bases within chr13:32,333,311-32,333,313 gives the same sequence; the c. name uses the placement nearest the transcript's 3' end. VCF-style (leftmost placement, unchanged base first): chr13-32333310-CAG-C. GRCh37 (hg19) VCF-style: chr13-32907447-CAG-C.
Other names: c.1834_1835delGA, p.Glu612Thrfs (NM_001406719.1, NM_001406720.1, NM_001406721.1); short protein forms E612fs.
Identifiers: ClinVar variation 2119174 (VCV002119174.4), dbSNP rs2548521114, ClinGen allele CA2580087141.